The following is an entry in ClinVar:

ClinVar aggregate classification (germline): Uncertain significance. Review status: criteria provided, multiple submitters, no conflicts (2 of 4 stars). 3 submissions from 3 submitters: Uncertain significance (3). Last evaluated 2023-02-22.

Conditions:
Inborn genetic diseases. Identifiers: MedGen C0950123, MeSH D030342.
Congenital myasthenic syndrome 8. Also called: MYASTHENIC SYNDROME, CONGENITAL, DUE TO AGRIN DEFICIENCY; Myasthenic syndrome, congenital, 8, with pre- and postsynaptic defects. Identifiers: Orphanet 590, MedGen C3808739, MONDO:0014052, OMIM 615120.

Allele frequency attached by ClinVar (database versions not stated): TOPMed 0.00002; gnomAD 0.00003 and 0.00004; gnomAD exomes 0.00003; ExAC 0.00007.
gnomAD v4.1: 32 of 1,576,394 alleles (0.002%); highest among the groups gnomAD compares: African/African-American, 0.0027%; no homozygotes.

Submissions (3):

Ambry Genetics
Classification: Uncertain significance for Inborn genetic diseases. Last evaluated: 2023-02-22. Review status: criteria provided, single submitter. Criteria: Ambry Variant Classification Scheme 2023. Collection method: clinical testing. Allele origin: germline.

Labcorp Genetics (formerly Invitae), Labcorp
Classification: Uncertain significance for Congenital myasthenic syndrome 8. Last evaluated: 2022-11-15. Review status: criteria provided, single submitter. Criteria: Invitae Variant Classification Sherloc (09022015). Collection method: clinical testing. Allele origin: germline.
Comment: In summary, the available evidence is currently insufficient to determine the role of this variant in disease. Therefore, it has been classified as a Variant of Uncertain Significance. Algorithms developed to predict the effect of missense changes on protein structure and function are either unavailable or do not agree on the potential impact of this missense change (SIFT: "Deleterious"; PolyPhen-2: "Possibly Damaging"; Align-GVGD: "Class C0"). ClinVar contains an entry for this variant (Variation ID: 474137). This variant has not been reported in the literature in individuals affected with AGRN-related conditions. This variant is present in population databases (rs771455197, gnomAD 0.007%). This sequence change replaces histidine, which is basic and polar, with tyrosine, which is neutral and polar, at codon 1551 of the AGRN protein (p.His1551Tyr).

GeneDx
Classification: Uncertain significance. Last evaluated: 2021-06-01. Review status: criteria provided, single submitter. Criteria: GeneDx Variant Classification Process June 2021. Collection method: clinical testing. Allele origin: germline. Affected: yes.
Comment: Not observed at a significant frequency in large population cohorts (Lek et al., 2016); In silico analysis supports that this missense variant has a deleterious effect on protein structure/function; Has not been previously published as pathogenic or benign to our knowledge

NM_198576.4(AGRN):c.4651C>T (p.His1551Tyr)

Gene: AGRN (agrin; plus strand). Cytogenetic location: 1p36.33.
Variant type: single nucleotide variant.
Coding change: c.4651C>T on transcript NM_198576.4 (MANE Select); coding-DNA position 4651, C replaced by T.
Protein change: p.His1551Tyr; replaces histidine 1551 with tyrosine.
Molecular consequence: missense variant.
Genome position (GRCh38, 1-based): chr1:1,049,702, C>T. VCF-style: chr1-1049702-C-T. GRCh37 (hg19) VCF-style: chr1-985082-C-T.
Other names: c.4651C>T, p.His1551Tyr (NM_001305275.2); c.4336C>T, p.His1446Tyr (NM_001364727.2); short protein forms H1551Y, H1446Y.
Identifiers: ClinVar variation 474137 (VCV000474137.14), dbSNP rs771455197, ClinGen allele CA509563.